The following is an entry in ClinVar:

NM_024596.5(MCPH1):c.1336A>C (p.Ser446Arg)

Gene: MCPH1 (microcephalin 1; plus strand). Cytogenetic location: 8p23.1.
Variant type: single nucleotide variant.
Coding change: c.1336A>C on transcript NM_024596.5 (MANE Select); coding-DNA position 1336, A replaced by C.
Protein change: p.Ser446Arg; replaces serine 446 with arginine.
Molecular consequence: missense variant. On other transcripts: non-coding transcript variant (1).
Genome position (GRCh38, 1-based): chr8:6,445,058, A>C. VCF-style: chr8-6445058-A-C. GRCh37 (hg19) VCF-style: chr8-6302579-A-C.
Other names: c.1336A>C, p.Ser446Arg (NM_001172574.2, NM_001322042.2, NM_001363979.1 and 1 more transcripts); c.1192A>C, p.Ser398Arg (NM_001172575.2); c.1330A>C, p.Ser444Arg (NM_001322043.2); c.1234A>C, p.Ser412Arg (NM_001322045.2); short protein forms S444R, S446R, S398R, S412R.
Identifiers: ClinVar variation 1409367 (VCV001409367.5), dbSNP rs374630259, ClinGen allele CA4610523.
Genomic context (GRCh38, chr8:6,445,058, plus strand): 5'-TCAGAGAATCTTCCTCCTGAATCTCAGCTGCCATCAAGCCCTGCTCAGTTGAGCTGCAGA[A>C]GTCTTTCTAAGAAGGAGAGAACAAGCATATTTGAAATGTCTGATTTTTCCTGCGTTGGCA-3'
Protein context (NP_078872.3, residues 436-456): PSSPAQLSCR[Ser446Arg]LSKKERTSIF

ClinVar aggregate classification (germline): Uncertain significance (1 of 4 stars; one submission).

Allele frequency attached by ClinVar (database versions not stated): TOPMed below 0.00001; gnomAD 0.00001; gnomAD exomes 0.00001; ExAC 0.00002; ESP Exome Variant Server 0.00008.
gnomAD v4.1: 21 of 1,614,092 alleles (0.0013%); highest among the groups gnomAD compares: Non-Finnish European, 0.0015%; no homozygotes.

Submission:

Labcorp Genetics (formerly Invitae), Labcorp
Classification: Uncertain significance. Last evaluated: 2024-10-07. Review status: criteria provided, single submitter. Criteria: Invitae Variant Classification Sherloc (09022015). Collection method: clinical testing. Allele origin: germline.
Comment: This sequence change replaces serine, which is neutral and polar, with arginine, which is basic and polar, at codon 446 of the MCPH1 protein (p.Ser446Arg). This variant is present in population databases (rs374630259, gnomAD 0.003%). This variant has not been reported in the literature in individuals affected with MCPH1-related conditions. ClinVar contains an entry for this variant (Variation ID: 1409367). Invitae Evidence Modeling of protein sequence and biophysical properties (such as structural, functional, and spatial information, amino acid conservation, physicochemical variation, residue mobility, and thermodynamic stability) indicates that this missense variant is expected to disrupt MCPH1 protein function with a positive predictive value of 80%. In summary, the available evidence is currently insufficient to determine the role of this variant in disease. Therefore, it has been classified as a Variant of Uncertain Significance.